The following is an entry in ClinVar:

ClinVar aggregate classification (germline): Uncertain significance. Review status: criteria provided, multiple submitters, no conflicts (2 of 4 stars). 2 submissions from 2 submitters: Uncertain significance (2). Last evaluated 2025-07-28.

Conditions:
Inborn genetic diseases. Identifiers: MedGen C0950123, MeSH D030342.

Allele frequency attached by ClinVar (database versions not stated): gnomAD exomes below 0.00001 and 0.00001; ExAC 0.00001; gnomAD 0.00001; TOPMed 0.00002.
gnomAD v4.1: 7 of 1,613,986 alleles (0.00043%); highest among the groups gnomAD compares: Admixed American, 0.0033%; no homozygotes.

Submissions (2):

Labcorp Genetics (formerly Invitae), Labcorp
Classification: Uncertain significance. Last evaluated: 2025-07-28. Review status: criteria provided, single submitter. Criteria: Invitae Variant Classification Sherloc (09022015). Collection method: clinical testing. Allele origin: germline.
Comment: This sequence change replaces proline, which is neutral and non-polar, with leucine, which is neutral and non-polar, at codon 1394 of the GPR179 protein (p.Pro1394Leu). This variant is present in population databases (rs747492119, gnomAD 0.003%). This variant has not been reported in the literature in individuals affected with GPR179-related conditions. ClinVar contains an entry for this variant (Variation ID: 1442189). An algorithm developed to predict the effect of missense changes on protein structure and function outputs the following: PolyPhen-2: "Benign". The leucine amino acid residue is found in multiple mammalian species, which suggests that this missense change does not adversely affect protein function. In summary, the available evidence is currently insufficient to determine the role of this variant in disease. Therefore, it has been classified as a Variant of Uncertain Significance.

Ambry Genetics
Classification: Uncertain significance for Inborn genetic diseases. Last evaluated: 2025-03-22. Review status: criteria provided, single submitter. Criteria: Ambry Variant Classification Scheme 2023. Collection method: clinical testing. Allele origin: germline.

NM_001004334.4(GPR179):c.4181C>T (p.Pro1394Leu)

Gene: GPR179 (G protein-coupled receptor 179; minus strand). Cytogenetic location: 17q12.
Variant type: single nucleotide variant.
Coding change: c.4181C>T on transcript NM_001004334.4 (MANE Select); coding-DNA position 4181, C replaced by T.
Protein change: p.Pro1394Leu; replaces proline 1394 with leucine.
Molecular consequence: missense variant.
Genome position (GRCh38, 1-based): chr17:38,329,388, G>A on the plus strand (C>T on the coding strand, the complement: GPR179 is on the minus strand). VCF-style: chr17-38329388-G-A. GRCh37 (hg19) VCF-style: chr17-36485271-G-A.
Other names: c.4181C>T (NM_001004334.2); short protein forms P1394L.
Identifiers: ClinVar variation 1442189 (VCV001442189.9), dbSNP rs747492119, ClinGen allele CA290104350.